The following is an entry in ClinVar:

ClinVar aggregate classification (germline): Uncertain significance (1 of 4 stars; one submission).

Conditions:
Short-rib thoracic dysplasia 13 with or without polydactyly (SRTD13). Identifiers: Orphanet 474, MedGen C4225378, MONDO:0014577, OMIM 616300.

Submission:

Labcorp Genetics (formerly Invitae), Labcorp
Classification: Uncertain significance for Short-rib thoracic dysplasia 13 with or without polydactyly. Last evaluated: 2023-10-19. Review status: criteria provided, single submitter. Criteria: Invitae Variant Classification Sherloc (09022015). Collection method: clinical testing. Allele origin: germline.
Comment: This sequence change replaces cysteine, which is neutral and slightly polar, with valine, which is neutral and non-polar, at codon 637 of the CEP120 protein (p.Cys637Val). This variant is present in population databases (no rsID available, gnomAD 0.004%). This variant has not been reported in the literature in individuals affected with CEP120-related conditions. An algorithm developed to predict the effect of missense changes on protein structure and function (PolyPhen-2) suggests that this variant is likely to be tolerated. In summary, the available evidence is currently insufficient to determine the role of this variant in disease. Therefore, it has been classified as a Variant of Uncertain Significance.

NM_001375405.1(CEP120):c.1909_1910delinsGT (p.Cys637Val)

Gene: CEP120 (centrosomal protein 120; minus strand). Cytogenetic location: 5q23.2.
Variant type: Indel.
Coding change: c.1909_1910delinsGT on transcript NM_001375405.1 (MANE Select); coding-DNA positions 1909 to 1910, TG replaced by GT.
Protein change: p.Cys637Val; replaces cysteine 637 with valine.
Molecular consequence: missense variant. On other transcripts: non-coding transcript variant (1).
Genome position (GRCh38, 1-based): chr5:123,382,840-123,382,841, CA replaced by AC on the plus strand (TG replaced by GT on the coding strand, the reverse complement: CEP120 is on the minus strand). VCF-style: chr5-123382840-CA-AC. GRCh37 (hg19) VCF-style: chr5-122718534-CA-AC.
Other names: c.1831_1832delinsGT, p.Cys611Val (NM_001166226.2); c.1774_1775delinsGT, p.Cys592Val (NM_001375406.1); c.1909_1910delinsGT, p.Cys637Val (NM_001375407.1, NM_153223.4); c.1336_1337delinsGT, p.Cys446Val (NM_001375408.1, NM_001375409.1); short protein forms C637V, C446V, C592V, C611V.
Identifiers: ClinVar variation 2894492 (VCV002894492.3), dbSNP rs2479304233, ClinGen allele CA2739275024.